The following is an entry in ClinVar:

ClinVar aggregate classification (germline): Likely benign. Review status: criteria provided, multiple submitters, no conflicts (2 of 4 stars). 2 submissions from 2 submitters: Likely benign (2). Last evaluated 2026-01-13.

Conditions:
Pitt-Hopkins-like syndrome 2 (PTHSL2). Identifiers: Orphanet 221150, Orphanet 600663, MedGen C3280479, MONDO:0013690, OMIM 614325.
NRXN1-related disorder.

Allele frequency attached by ClinVar (database versions not stated): gnomAD exomes below 0.00001; ExAC 0.00001.

Submissions (2):

PreventionGenetics, part of Exact Sciences
Classification: Likely benign for NRXN1-related condition. Last evaluated: 2026-01-13. Review status: criteria provided, single submitter. Criteria: ACMG Guidelines, 2015. Collection method: clinical testing. Allele origin: germline.
Comment: This variant is classified as likely benign based on ACMG/AMP sequence variant interpretation guidelines (Richards et al. 2015 PMID: 25741868, with internal and published modifications).

Labcorp Genetics (formerly Invitae), Labcorp
Classification: Likely benign for Pitt-Hopkins-like syndrome 2. Last evaluated: 2024-02-17. Review status: criteria provided, single submitter. Criteria: Invitae Variant Classification Sherloc (09022015). Collection method: clinical testing. Allele origin: germline.

NM_001330078.2(NRXN1):c.4149G>A (p.Val1383=)

Gene: NRXN1 (neurexin 1; minus strand). Cytogenetic location: 2p16.3.
Variant type: single nucleotide variant.
Coding change: c.4149G>A on transcript NM_001330078.2 (MANE Select); coding-DNA position 4149, G replaced by A.
Protein change: p.Val1383=; no amino-acid change (valine 1383 retained).
Molecular consequence: synonymous variant.
Genome position (GRCh38, 1-based): chr2:49,943,771, C>T on the plus strand (G>A on the coding strand, the complement: NRXN1 is on the minus strand). VCF-style: chr2-49943771-C-T. GRCh37 (hg19) VCF-style: chr2-50170909-C-T.
Other names: c.4269G>A, p.Val1423= (NM_001135659.3); c.54G>A, p.Val18= (NM_001320156.4, NM_001320157.4); c.4125G>A, p.Val1375= (NM_001330077.2, NM_001330082.2); c.3993G>A, p.Val1331= (NM_001330083.2); c.4083G>A, p.Val1361= (NM_001330084.2); c.4122G>A, p.Val1374= (NM_001330085.2); c.4149G>A, p.Val1383= (NM_001330086.2); c.3948G>A, p.Val1316= (NM_001330087.2, NM_001330096.2); and 8 more.
Identifiers: ClinVar variation 1362806 (VCV001362806.9), dbSNP rs755017231, ClinGen allele CA1654262.
Genomic context (GRCh38, chr2:49,943,771, plus strand): 5'-ACCTGAGCTCGGCTCACAGGGGTCAATGTCCTCATCATCGCTGGGACACTCTGCTGAGGC[C>T]ACAAGGATGTCATCTGTGGTCTGCAAAAGAATCACATTCAGTAGATTAATTTAAAGGGTC-3'
Protein context (NP_001317007.1, residues 1373-1393): PISQTTDDIL[Val1383=]ASAECPSDDE